The following is an entry in ClinVar:

ClinVar aggregate classification (germline): Likely benign (0 of 4 stars; one submission).

Conditions:
PTPRS-related disorder. Also called: PTPRS-related condition.

Allele frequency attached by ClinVar (database versions not stated): TOPMed 0.00001; ESP Exome Variant Server 0.00008.
gnomAD v4.1: 30 of 1,613,694 alleles (0.0019%); highest among the groups gnomAD compares: African/African-American, 0.011%; no homozygotes.

Submission:

PreventionGenetics, part of Exact Sciences
Classification: Likely benign for PTPRS-related condition. Last evaluated: 2019-09-05. Review status: no assertion criteria provided. Collection method: clinical testing. Allele origin: germline.
Comment: This variant is classified as likely benign based on ACMG/AMP sequence variant interpretation guidelines (Richards et al. 2015 PMID: 25741868, with internal and published modifications).

NM_002850.4(PTPRS):c.3744C>T (p.Ala1248=)

Gene: PTPRS (protein tyrosine phosphatase receptor type S; minus strand). Cytogenetic location: 19p13.3.
Variant type: single nucleotide variant.
Coding change: c.3744C>T on transcript NM_002850.4 (MANE Select); coding-DNA position 3744, C replaced by T.
Protein change: p.Ala1248=; no amino-acid change (alanine 1248 retained).
Molecular consequence: synonymous variant.
Genome position (GRCh38, 1-based): chr19:5,219,960, G>A on the plus strand (C>T on the coding strand, the complement: PTPRS is on the minus strand). VCF-style: chr19-5219960-G-A. GRCh37 (hg19) VCF-style: chr19-5219971-G-A.
Other names: c.3678C>T, p.Ala1226= (NM_001394011.1, NM_001394013.1, NM_130854.3); c.3705C>T, p.Ala1235= (NM_001394012.1); c.2451C>T, p.Ala817= (NM_130853.3); c.2463C>T, p.Ala821= (NM_130855.3).
Identifiers: ClinVar variation 3053444 (VCV003053444.2), dbSNP rs140007234, ClinGen allele CA9109462.